The following is an entry in ClinVar:

ClinVar aggregate classification (germline): Conflicting classifications of pathogenicity. Review status: criteria provided, conflicting classifications (1 of 4 stars). 4 submissions from 4 submitters: Uncertain significance (3); Likely benign (1). Last evaluated 2025-11-12.

Conditions:
Inborn genetic diseases. Identifiers: MedGen C0950123, MeSH D030342.
CNGB1-related disorder. Also called: CNGB1-related condition.

Allele frequency attached by ClinVar (database versions not stated): gnomAD 0.00005; gnomAD exomes 0.00006; ExAC 0.00008; ESP Exome Variant Server 0.00016; 1000 Genomes Project 30x 0.00094; 1000 Genomes Project 0.00100.
gnomAD v4.1: 96 of 1,614,178 alleles (0.0059%); highest among the groups gnomAD compares: East Asian, 0.025%; no homozygotes.

Submissions (4):

Labcorp Genetics (formerly Invitae), Labcorp
Classification: Likely benign. Last evaluated: 2025-11-12. Review status: criteria provided, single submitter. Criteria: Invitae Variant Classification Sherloc (09022015). Collection method: clinical testing. Allele origin: germline.

Ambry Genetics
Classification: Uncertain significance for Inborn genetic diseases. Last evaluated: 2025-10-29. Review status: criteria provided, single submitter. Criteria: Ambry Variant Classification Scheme 2023. Collection method: clinical testing. Allele origin: germline.

PreventionGenetics, part of Exact Sciences
Classification: Uncertain significance for CNGB1-related condition. Last evaluated: 2025-07-30. Review status: criteria provided, single submitter. Criteria: ACMG Guidelines, 2015. Collection method: clinical testing. Allele origin: germline.
Comment: The CNGB1 c.3304C>T variant is predicted to result in the amino acid substitution p.Arg1102Trp. To our knowledge, this variant has not been reported in the literature. This variant is reported in 0.020% of alleles in individuals of East Asian descent in gnomAD. At this time, the clinical significance of this variant is uncertain due to the absence of conclusive functional and genetic evidence.

Blueprint Genetics
Classification: Uncertain significance. Last evaluated: 2023-12-08. Review status: criteria provided, single submitter. Criteria: ACMG Guidelines, 2015. Collection method: clinical testing. Allele origin: germline.

NM_001297.5(CNGB1):c.3304C>T (p.Arg1102Trp)

Gene: CNGB1 (cyclic nucleotide gated channel subunit beta 1; minus strand). Cytogenetic location: 16q21.
Variant type: single nucleotide variant.
Coding change: c.3304C>T on transcript NM_001297.5 (MANE Select); coding-DNA position 3304, C replaced by T.
Protein change: p.Arg1102Trp; replaces arginine 1102 with tryptophan.
Molecular consequence: missense variant.
Genome position (GRCh38, 1-based): chr16:57,888,013, G>A on the plus strand (C>T on the coding strand, the complement: CNGB1 is on the minus strand). VCF-style: chr16-57888013-G-A. GRCh37 (hg19) VCF-style: chr16-57921917-G-A.
Other names: c.3286C>T, p.Arg1096Trp (NM_001286130.2); c.3304C>T (NM_001297.4); short protein forms R1096W, R1102W.
Identifiers: ClinVar variation 1606587 (VCV001606587.11), dbSNP rs201231319, ClinGen allele CA8082602.